The following is an entry in ClinVar:

ClinVar aggregate classification (germline): Uncertain significance (1 of 4 stars; one submission).

Conditions:
Inborn genetic diseases. Identifiers: MedGen C0950123, MeSH D030342.

Allele frequency attached by ClinVar (database versions not stated): gnomAD exomes 0.00001.
gnomAD v4.1: 5 of 1,613,422 alleles (0.00031%); highest among the groups gnomAD compares: South Asian, 0.0033%; no homozygotes.

Submission:

Ambry Genetics
Classification: Uncertain significance for Inborn genetic diseases. Last evaluated: 2021-10-26. Review status: criteria provided, single submitter. Criteria: Ambry Variant Classification Scheme 2023. Collection method: clinical testing. Allele origin: germline.
Comment: The p.H494R variant (also known as c.1481A>G), located in coding exon 13 of the LRRK2 gene, results from an A to G substitution at nucleotide position 1481. The histidine at codon 494 is replaced by arginine, an amino acid with highly similar properties. This amino acid position is conserved. In addition, the in silico prediction for this alteration is inconclusive. Since supporting evidence is limited at this time, the clinical significance of this alteration remains unclear.

NM_198578.4(LRRK2):c.1481A>G (p.His494Arg)

Gene: LRRK2 (leucine rich repeat kinase 2; plus strand). Cytogenetic location: 12q12.
Variant type: single nucleotide variant.
Coding change: c.1481A>G on transcript NM_198578.4 (MANE Select); coding-DNA position 1481, A replaced by G.
Protein change: p.His494Arg; replaces histidine 494 with arginine.
Molecular consequence: missense variant.
Genome position (GRCh38, 1-based): chr12:40,259,542, A>G. VCF-style: chr12-40259542-A-G. GRCh37 (hg19) VCF-style: chr12-40653344-A-G.
Other names: short protein forms H494R.
Identifiers: ClinVar variation 1773572 (VCV001773572.2), dbSNP rs1184766707, ClinGen allele CA384411498.